The following is an entry in ClinVar:

ClinVar aggregate classification (germline): Uncertain significance (1 of 4 stars; one submission).

Submission:

Women's Health and Genetics/Laboratory Corporation of America, LabCorp
Classification: Uncertain significance. Last evaluated: 2026-06-12. Review status: criteria provided, single submitter. Criteria: LabCorp Variant Classification Summary - May 2015. Collection method: clinical testing. Allele origin: germline.
Comment: Variant summary: EMC1 c.2976_2977delinsAA (p.Trp992X) results in a premature termination codon, predicted to cause a truncation of the last 2 amino acids of the encoded protein and is not expected to cause nonsense mediated decay. The variant was absent in 282728 control chromosomes (gnomAD). The available data on variant occurrences in the general population are insufficient to allow any conclusion about variant significance. To our knowledge, no occurrence of c.2976_2977delinsAA in individuals affected with EMC1-related conditions and no experimental evidence demonstrating its impact on protein function have been reported. No submitters have cited clinical-significance assessments for this variant to ClinVar. Based on the evidence outlined above, the variant was classified as uncertain significance.

NM_015047.3(EMC1):c.2976_2977delinsAA (p.Trp992_Arg993delinsTer)

Genes: EMC1 (ER membrane protein complex subunit 1; minus strand), EMC1-AS1 (EMC1 antisense RNA 1; plus strand). Cytogenetic location: 1p36.13.
Variant type: Indel.
Coding change: c.2976_2977delinsAA on transcript NM_015047.3 (MANE Select); coding-DNA positions 2976 to 2977, GC replaced by AA.
Protein change: p.Trp992_Arg993delinsTer.
Molecular consequence: nonsense.
Genome position (GRCh38, 1-based): chr1:19,219,308-19,219,309, GC replaced by TT on the plus strand (GC replaced by AA on the coding strand, the reverse complement: EMC1 is on the minus strand). VCF-style: chr1-19219308-GC-TT. GRCh37 (hg19) VCF-style: chr1-19545802-GC-TT.
Other names: c.2973_2974delinsAA, p.Trp991_Arg992delinsTer (NM_001271427.2, NM_001271428.2); c.2910_2911delinsAA, p.Trp970_Arg971delinsTer (NM_001271429.2); c.2985_2986delinsAA, p.Trp995_Arg996delinsTer (NM_001375820.1); c.2982_2983delinsAA, p.Trp994_Arg995delinsTer (NM_001375821.1).
Identifiers: ClinVar variation 4887298 (VCV004887298.1).